The following is an entry in ClinVar:

NM_020937.4(FANCM):c.1315A>G (p.Lys439Glu)

Gene: FANCM (FA complementation group M; plus strand). Cytogenetic location: 14q21.2.
Variant type: single nucleotide variant.
Coding change: c.1315A>G on transcript NM_020937.4 (MANE Select); coding-DNA position 1315, A replaced by G.
Protein change: p.Lys439Glu; replaces lysine 439 with glutamic acid.
Molecular consequence: missense variant.
Genome position (GRCh38, 1-based): chr14:45,155,378, A>G. VCF-style: chr14-45155378-A-G. GRCh37 (hg19) VCF-style: chr14-45624581-A-G.
Other names: c.1237A>G, p.Lys413Glu (NM_001308133.2); c.1315A>G, p.Lys439Glu (NM_001308134.2); short protein forms K439E, K413E.
Identifiers: ClinVar variation 1406155 (VCV001406155.6), dbSNP rs2139173788, ClinGen allele CA389592084.

ClinVar aggregate classification (germline): Uncertain significance (1 of 4 stars; one submission).

Conditions:
Fanconi anemia (FA). Also called: Fanconi's anemia. Identifiers: Orphanet 84, MedGen C0015625, MeSH D005199, MONDO:0019391.

Allele frequency attached by ClinVar (database versions not stated): gnomAD exomes below 0.00001.
gnomAD v4.1: 1 of 1,318,314 alleles (0.000076%); highest among the groups gnomAD compares: Non-Finnish European, 0.00011%; no homozygotes.

Submission:

Labcorp Genetics (formerly Invitae), Labcorp
Classification: Uncertain significance for Fanconi anemia. Last evaluated: 2023-07-31. Review status: criteria provided, single submitter. Criteria: Invitae Variant Classification Sherloc (09022015). Collection method: clinical testing. Allele origin: germline.
Comment: ClinVar contains an entry for this variant (Variation ID: 1406155). Algorithms developed to predict the effect of missense changes on protein structure and function output the following: SIFT: "Not Available"; PolyPhen-2: "Benign"; Align-GVGD: "Not Available". The glutamic acid amino acid residue is found in multiple mammalian species, which suggests that this missense change does not adversely affect protein function. In summary, the available evidence is currently insufficient to determine the role of this variant in disease. Therefore, it has been classified as a Variant of Uncertain Significance. This variant has not been reported in the literature in individuals affected with FANCM-related conditions. This variant is not present in population databases (gnomAD no frequency). This sequence change replaces lysine, which is basic and polar, with glutamic acid, which is acidic and polar, at codon 439 of the FANCM protein (p.Lys439Glu).